The following is an entry in ClinVar:

ClinVar aggregate classification (germline): Pathogenic/Likely pathogenic. Review status: criteria provided, multiple submitters, no conflicts (2 of 4 stars). 4 submissions from 4 submitters: Pathogenic (2); Likely pathogenic (2). Last evaluated 2025-07-11.

Conditions:
ERCC6-related disorder. Also called: ERCC6-related condition; ERCC6-related disorders. Identifiers: MedGen CN239385.
Inborn genetic diseases. Identifiers: MedGen C0950123, MeSH D030342.
Cockayne syndrome. Identifiers: Orphanet 191, MedGen C0009207, MONDO:0016006.

Submissions (4):

PreventionGenetics, part of Exact Sciences
Classification: Likely pathogenic for ERCC6-related condition. Last evaluated: 2025-07-11. Review status: criteria provided, single submitter. Criteria: ACMG Guidelines, 2015. Collection method: clinical testing. Allele origin: germline.
Comment: The ERCC6 c.2952_2953delTA variant is predicted to result in a frameshift and premature protein termination (p.Asn984Lysfs*16). To our knowledge, this variant has not been previously reported in the literature. This variant has not been reported in a large population database, indicating this variant is rare. Frameshift variants in ERCC6 are expected to be pathogenic for autosomal recessive Cockayne syndrome. This variant is interpreted as likely pathogenic.

Women's Health and Genetics/Laboratory Corporation of America, LabCorp
Classification: Likely pathogenic for Cockayne syndrome. Last evaluated: 2022-11-07. Review status: criteria provided, single submitter. Criteria: LabCorp Variant Classification Summary - May 2015. Collection method: clinical testing. Allele origin: germline.
Comment: Variant summary: ERCC6 c.2952_2953delTA (p.Asn984LysfsX16) results in a premature termination codon, predicted to cause a truncation of the encoded protein or absence of the protein due to nonsense mediated decay, which are commonly known mechanisms for disease. Truncations downstream of this position have been reported in affected individuals (HGMD). The variant was absent in 250908 control chromosomes (gnomAD). To our knowledge, no occurrence of c.2952_2953delTA in individuals affected with Cockayne Syndrome and no experimental evidence demonstrating its impact on protein function have been reported. Two clinical diagnostic laboratories have submitted clinical-significance assessments for this variant to ClinVar after 2014 without evidence for independent evaluation, and both of them classified the variant as pathogenic. Based on the evidence outlined above, the variant was classified as likely pathogenic.

Ambry Genetics
Classification: Pathogenic for Inborn genetic diseases. Last evaluated: 2019-09-03. Review status: criteria provided, single submitter. Criteria: Ambry exome assertion method (8-5-2015). Collection method: clinical testing. Allele origin: germline. Affected: yes. Observed: 1 variant allele.

Labcorp Genetics (formerly Invitae), Labcorp
Classification: Pathogenic. Last evaluated: 2018-11-22. Review status: criteria provided, single submitter. Criteria: Invitae Variant Classification Sherloc (09022015). Collection method: clinical testing. Allele origin: germline.
Comment: For these reasons, this variant has been classified as Pathogenic. Loss-of-function variants in ERCC6 are known to be pathogenic (PMID: 9443879, 18628313). This variant has not been reported in the literature in individuals with ERCC6-related conditions. This variant is not present in population databases (ExAC no frequency). This sequence change creates a premature translational stop signal (p.Asn984Lysfs*16) in the ERCC6 gene. It is expected to result in an absent or disrupted protein product.

Literature cited by the submitters: PubMed 9443879 (cited by Labcorp Genetics (formerly Invitae), Labcorp); PubMed 18628313 (cited by Labcorp Genetics (formerly Invitae), Labcorp).

NM_000124.4(ERCC6):c.2952_2953del (p.Asn984fs)

Gene: ERCC6 (ERCC excision repair 6, chromatin remodeling factor; minus strand). Cytogenetic location: 10q11.23.
Variant type: Deletion.
Coding change: c.2952_2953del on transcript NM_000124.4 (MANE Select); coding-DNA positions 2952 to 2953, 2 bases deleted (TA; older notation c.2952_2953delTA).
Protein change: p.Asn984fs; shifts the reading frame from asparagine 984.
Molecular consequence: frameshift variant.
Genome position (GRCh38, 1-based): chr10:49,471,092-49,471,093, TA deleted on the plus strand (TA on the coding strand, the reverse complement: ERCC6 is on the minus strand); deleting any 2 consecutive bases within chr10:49,471,092-49,471,094 gives the same sequence; the c. name uses the placement nearest the transcript's 3' end. VCF-style (leftmost placement, unchanged base first): chr10-49471091-CTA-C. GRCh37 (hg19) VCF-style: chr10-50679137-CTA-C.
Other names: c.2952_2953del, p.Asn984fs (NM_001346440.2); short protein forms N984fs.
Identifiers: ClinVar variation 643678 (VCV000643678.12), dbSNP rs1590406503, ClinGen allele CA915945903.
Genomic context (GRCh38, chr10:49,471,091, plus strand): 5'-AATAGCTCATAGAGATCATTGGATTTGAAAAACCGCCTTTGTTTTGGGTCTTTTAGCACT[CTA>C]TTTGTCAAAAACTGCTTGAAGATTTGTCTAAAAAAATAAAAGATAAGCTGGTATAAAACA-3'